The following is an entry in ClinVar:

NM_139319.3(SLC17A8):c.109G>A (p.Asp37Asn)

Gene: SLC17A8 (solute carrier family 17 member 8; plus strand). Cytogenetic location: 12q23.1.
Variant type: single nucleotide variant.
Coding change: c.109G>A on transcript NM_139319.3 (MANE Select); coding-DNA position 109, G replaced by A.
Protein change: p.Asp37Asn; replaces aspartic acid 37 with asparagine.
Molecular consequence: missense variant.
Genome position (GRCh38, 1-based): chr12:100,380,708, G>A. VCF-style: chr12-100380708-G-A. GRCh37 (hg19) VCF-style: chr12-100774486-G-A.
Other names: c.109G>A, p.Asp37Asn (NM_001145288.2); short protein forms D37N.
Identifiers: ClinVar variation 883900 (VCV000883900.6), dbSNP rs199746996, ClinGen allele CA6738665.

ClinVar aggregate classification (germline): Uncertain significance. Review status: criteria provided, multiple submitters, no conflicts (2 of 4 stars). 3 submissions from 3 submitters: Uncertain significance (3). Last evaluated 2024-10-20.

Conditions:
Inborn genetic diseases. Identifiers: MedGen C0950123, MeSH D030342.
Autosomal dominant nonsyndromic hearing loss 25. Identifiers: Orphanet 90635, MedGen C1854158, MONDO:0011568, OMIM 605583.

Allele frequency attached by ClinVar (database versions not stated): gnomAD exomes 0.00001; ExAC 0.00002; gnomAD 0.00003; 1000 Genomes Project 30x 0.00016; 1000 Genomes Project 0.00020.
gnomAD v4.1: 25 of 1,613,360 alleles (0.0015%); highest among the groups gnomAD compares: African/African-American, 0.0054%; no homozygotes.

Submissions (3):

Ambry Genetics
Classification: Uncertain significance for Inborn genetic diseases. Last evaluated: 2024-10-20. Review status: criteria provided, single submitter. Criteria: Ambry Variant Classification Scheme 2023. Collection method: clinical testing. Allele origin: germline.

GeneDx
Classification: Uncertain significance. Last evaluated: 2019-11-11. Review status: criteria provided, single submitter. Criteria: GeneDx Variant Classification Process June 2021. Collection method: clinical testing. Allele origin: germline. Affected: yes.
Comment: Not observed at a significant frequency in large population cohorts (Lek et al., 2016); In silico analysis, which includes protein predictors and evolutionary conservation, supports that this variant does not alter protein structure/function; Has not been previously published as pathogenic or benign to our knowledge

Illumina Laboratory Services, Illumina
Classification: Uncertain significance for Autosomal dominant nonsyndromic hearing loss 25. Last evaluated: 2018-01-13. Review status: criteria provided, single submitter. Criteria: ICSL Variant Classification Criteria 13 December 2019. Collection method: clinical testing. Allele origin: germline.